The following is an entry in ClinVar:

NM_000152.5(GAA):c.1544T>C (p.Met515Thr)

Gene: GAA (alpha glucosidase; plus strand). Cytogenetic location: 17q25.3.
Variant type: single nucleotide variant.
Coding change: c.1544T>C on transcript NM_000152.5 (MANE Select); coding-DNA position 1544, T replaced by C.
Protein change: p.Met515Thr; replaces methionine 515 with threonine.
Molecular consequence: missense variant.
Genome position (GRCh38, 1-based): chr17:80,110,833, T>C. VCF-style: chr17-80110833-T-C. GRCh37 (hg19) VCF-style: chr17-78084632-T-C.
Other names: c.1544T>C, p.Met515Thr (NM_001079803.3, NM_001079804.3); short protein forms M515T.
Identifiers: ClinVar variation 1487722 (VCV001487722.4), dbSNP rs1338245575, ClinGen allele CA401367148.

ClinVar aggregate classification (germline): Uncertain significance (1 of 4 stars; one submission).

Conditions:
Glycogen storage disease, type II (IOPD). Also called: POMPE DISEASE, INFANTILE-ONSET; GLYCOGEN STORAGE DISEASE II, INFANTILE-ONSET; ACID ALPHA-GLUCOSIDASE DEFICIENCY, INFANTILE-ONSET; GAA DEFICIENCY, INFANTILE-ONSET; ACID MALTASE DEFICIENCY, INFANTILE-ONSET; GLYCOGENOSIS, GENERALIZED, CARDIAC FORM. Identifiers: Orphanet 365, MedGen C0017921, MONDO:0009290, OMIM 232300.

Allele frequency attached by ClinVar (database versions not stated): gnomAD exomes 0.00001 and 0.00002.
gnomAD v4.1: 8 of 1,614,010 alleles (0.0005%); highest among the groups gnomAD compares: South Asian, 0.0033%; no homozygotes.

Submission:

Labcorp Genetics (formerly Invitae), Labcorp
Classification: Uncertain significance for Glycogen storage disease, type II. Last evaluated: 2024-03-05. Review status: criteria provided, single submitter. Criteria: Invitae Variant Classification Sherloc (09022015). Collection method: clinical testing. Allele origin: germline.
Comment: This sequence change replaces methionine, which is neutral and non-polar, with threonine, which is neutral and polar, at codon 515 of the GAA protein (p.Met515Thr). This variant is present in population databases (no rsID available, gnomAD 0.006%). This missense change has been observed in individual(s) with a positive newborn screening result for GAA-related disease (Invitae). ClinVar contains an entry for this variant (Variation ID: 1487722). Advanced modeling of protein sequence and biophysical properties (such as structural, functional, and spatial information, amino acid conservation, physicochemical variation, residue mobility, and thermodynamic stability) has been performed at Invitae for this missense variant, however the output from this modeling did not meet the statistical confidence thresholds required to predict the impact of this variant on GAA protein function. In summary, the available evidence is currently insufficient to determine the role of this variant in disease. Therefore, it has been classified as a Variant of Uncertain Significance.